The following is an entry in ClinVar:

NM_003900.5(SQSTM1):c.686C>A (p.Ser229Ter)

Gene: SQSTM1 (sequestosome 1; plus strand). Cytogenetic location: 5q35.3.
Variant type: single nucleotide variant.
Coding change: c.686C>A on transcript NM_003900.5 (MANE Select); coding-DNA position 686, C replaced by A.
Protein change: p.Ser229Ter; replaces serine 229 with a stop codon.
Molecular consequence: nonsense.
Genome position (GRCh38, 1-based): chr5:179,825,158, C>A. VCF-style: chr5-179825158-C-A. GRCh37 (hg19) VCF-style: chr5-179252158-C-A.
Other names: c.434C>A, p.Ser145Ter (NM_001142298.2, NM_001142299.2); short protein forms S145*, S229*.
Identifiers: ClinVar variation 3757914 (VCV003757914.2).

ClinVar aggregate classification (germline): Pathogenic (1 of 4 stars; one submission).

Conditions:
Frontotemporal dementia and/or amyotrophic lateral sclerosis 1 (FTDALS1). Also called: Frontotemporal dementia with motor neuron disease 1; C9orf72 Frontotemporal Dementia and/or Amyotrophic Lateral Sclerosis. Identifiers: Orphanet 275872, MedGen C5779877, MONDO:0007105, OMIM 105550.
Paget disease of bone 2, early-onset (PDB2). Also called: Paget disease of bone 2. Identifiers: MedGen C4085251, MONDO:0011183, OMIM 602080.

Submission:

Labcorp Genetics (formerly Invitae), Labcorp
Classification: Pathogenic for Paget disease of bone 2, early-onset; Frontotemporal dementia and/or amyotrophic lateral sclerosis 1. Last evaluated: 2024-08-31. Review status: criteria provided, single submitter. Criteria: Invitae Variant Classification Sherloc (09022015). Collection method: clinical testing. Allele origin: germline.
Comment: This sequence change creates a premature translational stop signal (p.Ser229*) in the SQSTM1 gene. It is expected to result in an absent or disrupted protein product. Loss-of-function variants in SQSTM1 are known to be pathogenic (PMID: 27545679, 29959261). This variant is not present in population databases (gnomAD no frequency). This variant has not been reported in the literature in individuals affected with SQSTM1-related conditions. Algorithms developed to predict the effect of sequence changes on RNA splicing suggest that this variant may disrupt the consensus splice site. For these reasons, this variant has been classified as Pathogenic.

Literature cited by the submitters: PubMed 27545679; PubMed 29959261.